The following is an entry in ClinVar:

NM_006563.5(KLF1):c.217T>C (p.Trp73Arg)

Gene: KLF1 (KLF transcription factor 1; minus strand). Cytogenetic location: 19p13.13.
Variant type: single nucleotide variant.
Coding change: c.217T>C on transcript NM_006563.5 (MANE Select); coding-DNA position 217, T replaced by C.
Protein change: p.Trp73Arg; replaces tryptophan 73 with arginine.
Molecular consequence: missense variant.
Genome position (GRCh38, 1-based): chr19:12,886,013, A>G on the plus strand (T>C on the coding strand, the complement: KLF1 is on the minus strand). VCF-style: chr19-12886013-A-G. GRCh37 (hg19) VCF-style: chr19-12996827-A-G.
Other names: c.217T>C (NM_006563.3); short protein forms W73R.
Identifiers: ClinVar variation 2860926 (VCV002860926.4), dbSNP rs1036467428, ClinGen allele CA305499582.

ClinVar aggregate classification (germline): Uncertain significance. Review status: criteria provided, multiple submitters, no conflicts (2 of 4 stars). 2 submissions from 2 submitters: Uncertain significance (2). Last evaluated 2025-10-15.

Conditions:
Inborn genetic diseases. Identifiers: MedGen C0950123, MeSH D030342.

Allele frequency attached by ClinVar (database versions not stated): gnomAD exomes 0.00004; TOPMed 0.00001; gnomAD 0.00002.

Submissions (2):

Labcorp Genetics (formerly Invitae), Labcorp
Classification: Uncertain significance. Last evaluated: 2025-10-15. Review status: criteria provided, single submitter. Criteria: Invitae Variant Classification Sherloc (09022015). Collection method: clinical testing. Allele origin: germline.
Comment: This sequence change replaces tryptophan, which is neutral and slightly polar, with arginine, which is basic and polar, at codon 73 of the KLF1 protein (p.Trp73Arg). The frequency data for this variant in the population databases is considered unreliable, as metrics indicate poor data quality at this position in the gnomAD database. This variant has not been reported in the literature in individuals affected with KLF1-related conditions. ClinVar contains an entry for this variant (Variation ID: 2860926). Invitae Evidence Modeling of protein sequence and biophysical properties (such as structural, functional, and spatial information, amino acid conservation, physicochemical variation, residue mobility, and thermodynamic stability) indicates that this missense variant is expected to disrupt KLF1 protein function with a positive predictive value of 80%. In summary, the available evidence is currently insufficient to determine the role of this variant in disease. Therefore, it has been classified as a Variant of Uncertain Significance.

Ambry Genetics
Classification: Uncertain significance for Inborn genetic diseases. Last evaluated: 2024-04-23. Review status: criteria provided, single submitter. Criteria: Ambry Variant Classification Scheme 2023. Collection method: clinical testing. Allele origin: germline.